The following is an entry in ClinVar:

NM_007294.4(BRCA1):c.4681del (p.Thr1561fs)

Gene: BRCA1 (BRCA1 DNA repair associated; minus strand). Cytogenetic location: 17q21.31.
Variant type: Deletion.
Coding change: c.4681del on transcript NM_007294.4 (MANE Select); coding-DNA position 4681, one base deleted (A; older notation c.4681delA).
Protein change: p.Thr1561fs; shifts the reading frame from threonine 1561.
Molecular consequence: frameshift variant. On other transcripts: non-coding transcript variant (1).
Genome position (GRCh38, 1-based): chr17:43,071,233, T deleted on the plus strand (A on the coding strand, the reverse complement: BRCA1 is on the minus strand); the first of 2 consecutive T bases (chr17:43,071,233-43,071,234); deleting either gives the same sequence. VCF-style (leftmost placement, unchanged base first): chr17-43071232-GT-G. GRCh37 (hg19) VCF-style: chr17-41223249-GT-G.
Other names: 4800delA-ter1600; c.4681delA (NM_007294.3); c.1227delA, p.Thr410Profs (NM_001408463.1, NM_001408464.1, NM_001408465.1 and 7 more transcripts); c.1224delA, p.Thr409Profs (NM_001408468.1, NM_001408469.1, NM_001408470.1); c.1368delA, p.Thr457Profs (NM_001408472.1, NM_007298.4, NM_007304.2 and 12 more transcripts); c.1365delA, p.Thr456Profs (NM_001408473.1, NM_001408392.1, NM_001408396.1 and 8 more transcripts); c.1170delA, p.Thr391Profs (NM_001408474.1); c.1167delA, p.Thr390Profs (NM_001408475.1, NM_001408476.1); and 75 more; short protein forms T1561fs, T1582fs, T1514fs, T457fs.
Identifiers: ClinVar variation 55258 (VCV000055258.8), dbSNP rs397509187, ClinGen allele CA002975.

ClinVar aggregate classification (germline): Pathogenic. Review status: reviewed by expert panel (3 of 4 stars). 3 submissions from 3 submitters: Pathogenic (1). 2 of the submissions do not count toward it. Last evaluated 2016-10-18.

Conditions:
Familial cancer of breast. Also called: hereditary breast carcinoma; BREAST CANCER, FAMILIAL; Hereditary breast cancer. Identifiers: Orphanet 227535, MedGen C0346153, MONDO:0016419, OMIM 114480. Disease mechanism: loss of function.
Breast-ovarian cancer, familial, susceptibility to, 1 (BROVCA1). Also called: BRCA1 Hereditary Breast and Ovarian Cancer; OVARIAN CANCER, SUSCEPTIBILITY TO. Identifiers: Orphanet 145, MedGen C2676676, MONDO:0011450, OMIM 604370. Disease mechanism: loss of function.

Submissions (3):

Evidence-based Network for the Interpretation of Germline Mutant Alleles (ENIGMA)
Classification: Pathogenic for Breast-ovarian cancer, familial, susceptibility to, 1. Last evaluated: 2016-10-18. Review status: reviewed by expert panel. Criteria: ENIGMA BRCA1/2 Classification Criteria (2015). Collection method: curation. Allele origin: germline.
Comment: Variant allele predicted to encode a truncated non-functional protein.

Department of Clinical Genetics, Copenhagen University Hospital, Rigshospitalet
Classification: Pathogenic for Familial cancer of breast. Last evaluated: 2025-12-10. Review status: criteria provided, single submitter. Criteria: ACMG Guidelines, 2015. Collection method: clinical testing. Allele origin: germline. Not counted in ClinVar's aggregate classification.
Comment: The following ACMG criteria has been used: PM2_SUP; PVS1; PM5_Strong (PTC)

Consortium of Investigators of Modifiers of BRCA1/2 (CIMBA), c/o University of Cambridge
Classification: Pathogenic for Breast-ovarian cancer, familial, susceptibility to, 1. Last evaluated: 2015-10-02. Review status: criteria provided, single submitter. Criteria: CIMBA Mutation Classification guidelines May 2016. Collection method: clinical testing. Allele origin: germline. Not counted in ClinVar's aggregate classification.

Literature cited by the submitters: PubMed 21318380 (cited by Department of Clinical Genetics, Copenhagen University Hospital, Rigshospitalet).